The following is an entry in ClinVar:

ClinVar aggregate classification (germline): Uncertain significance (1 of 4 stars; one submission).

Submission:

Labcorp Genetics (formerly Invitae), Labcorp
Classification: Uncertain significance. Last evaluated: 2024-08-21. Review status: criteria provided, single submitter. Criteria: Invitae Variant Classification Sherloc (09022015). Collection method: clinical testing. Allele origin: germline.
Comment: This sequence change replaces phenylalanine, which is neutral and non-polar, with tyrosine, which is neutral and polar, at codon 929 of the BUB1 protein (p.Phe929Tyr). This variant is not present in population databases (gnomAD no frequency). This variant has not been reported in the literature in individuals affected with BUB1-related conditions. Experimental studies and prediction algorithms are not available or were not evaluated, and the functional significance of this variant is currently unknown. In summary, the available evidence is currently insufficient to determine the role of this variant in disease. Therefore, it has been classified as a Variant of Uncertain Significance.

NM_004336.5(BUB1):c.2786T>A (p.Phe929Tyr)

Gene: BUB1 (BUB1 mitotic checkpoint serine/threonine kinase; minus strand). Cytogenetic location: 2q13.
Variant type: single nucleotide variant.
Coding change: c.2786T>A on transcript NM_004336.5 (MANE Select); coding-DNA position 2786, T replaced by A.
Protein change: p.Phe929Tyr; replaces phenylalanine 929 with tyrosine.
Molecular consequence: missense variant. On other transcripts: intron variant (1).
Genome position (GRCh38, 1-based): chr2:110,641,203, A>T on the plus strand (T>A on the coding strand, the complement: BUB1 is on the minus strand). VCF-style: chr2-110641203-A-T. GRCh37 (hg19) VCF-style: chr2-111398780-A-T.
Other names: c.2726T>A, p.Phe909Tyr (NM_001278616.2); c.2626-11T>A (NM_001278617.2); short protein forms F909Y, F929Y.
Identifiers: ClinVar variation 3669504 (VCV003669504.2).